The following is an entry in ClinVar:

NM_203446.3(SYNJ1):c.846T>G (p.Phe282Leu)

Gene: SYNJ1 (synaptojanin 1; minus strand). Cytogenetic location: 21q22.11.
Variant type: single nucleotide variant.
Coding change: c.846T>G on transcript NM_203446.3 (MANE Select); coding-DNA position 846, T replaced by G.
Protein change: p.Phe282Leu; replaces phenylalanine 282 with leucine.
Molecular consequence: missense variant.
Genome position (GRCh38, 1-based): chr21:32,688,311, A>C on the plus strand (T>G on the coding strand, the complement: SYNJ1 is on the minus strand). VCF-style: chr21-32688311-A-C. GRCh37 (hg19) VCF-style: chr21-34060621-A-C.
Other names: c.846T>G, p.Phe282Leu (NM_001160302.2, NM_001160306.2); c.963T>G, p.Phe321Leu (NM_003895.4); short protein forms F321L, F282L.
Identifiers: ClinVar variation 1389501 (VCV001389501.8), dbSNP rs1461469693, ClinGen allele CA410094136.

ClinVar aggregate classification (germline): Uncertain significance (1 of 4 stars; one submission).

Conditions:
Developmental and epileptic encephalopathy, 53. Also called: Epileptic encephalopathy, early infantile, 53. Identifiers: MedGen C4479313, MONDO:0033362, OMIM 617389.
Early-onset Parkinson disease 20. Also called: PARKINSON DISEASE 20, AUTOSOMAL RECESSIVE EARLY-ONSET. Identifiers: Orphanet 391411, MedGen C3809824, MONDO:0014233, OMIM 615530.

Submission:

Labcorp Genetics (formerly Invitae), Labcorp
Classification: Uncertain significance for Developmental and epileptic encephalopathy, 53; Early-onset Parkinson disease 20. Last evaluated: 2022-07-06. Review status: criteria provided, single submitter. Criteria: Invitae Variant Classification Sherloc (09022015). Collection method: clinical testing. Allele origin: germline.
Comment: In summary, the available evidence is currently insufficient to determine the role of this variant in disease. Therefore, it has been classified as a Variant of Uncertain Significance. Algorithms developed to predict the effect of missense changes on protein structure and function are either unavailable or do not agree on the potential impact of this missense change (SIFT: "Deleterious"; PolyPhen-2: "Possibly Damaging"; Align-GVGD: "Class C0"). ClinVar contains an entry for this variant (Variation ID: 1389501). This variant has not been reported in the literature in individuals affected with SYNJ1-related conditions. This variant is not present in population databases (gnomAD no frequency). This sequence change replaces phenylalanine, which is neutral and non-polar, with leucine, which is neutral and non-polar, at codon 321 of the SYNJ1 protein (p.Phe321Leu).